The following is an entry in ClinVar:

ClinVar aggregate classification (germline): Uncertain significance. Review status: criteria provided, multiple submitters, no conflicts (2 of 4 stars). 2 submissions from 2 submitters: Uncertain significance (2). Last evaluated 2019-07-26.

Conditions:
Decreased response to growth hormone stimulation test. Also called: Growth hormone deficiency. Identifiers: MedGen C5539399, HP:0000824.
Isolated growth hormone deficiency type IB (IGHD1B). Also called: IGHD IB; IGHD 1B. Identifiers: Orphanet 231671, Orphanet 631, MedGen C2748571, MONDO:0013006, OMIM 612781.

Allele frequency attached by ClinVar (database versions not stated): gnomAD exomes 0.00006; ExAC 0.00007; gnomAD 0.00009; TOPMed 0.00010; ESP Exome Variant Server 0.00015.
gnomAD v4.1: 251 of 1,614,162 alleles (0.016%); highest among the groups gnomAD compares: Non-Finnish European, 0.02%; no homozygotes.

Submissions (2):

Baylor Genetics
Classification: Uncertain significance for Isolated growth hormone deficiency type IB. Last evaluated: 2019-07-26. Review status: criteria provided, single submitter. Criteria: ACMG Guidelines, 2015. Collection method: clinical testing. Allele origin: unknown. Affected: yes.
Comment: This variant was determined to be of uncertain significance according to ACMG Guidelines, 2015 [PMID:25741868].

Illumina Laboratory Services, Illumina
Classification: Uncertain significance for Growth hormone deficiency. Last evaluated: 2017-04-28. Review status: criteria provided, single submitter. Criteria: ICSL Variant Classification Criteria 13 December 2019. Collection method: clinical testing. Allele origin: germline.
Comment: This variant was observed as part of a predisposition screen in an ostensibly healthy population. A literature search was performed for the gene, cDNA change, and amino acid change (where applicable). Publications were found based on this search. However, the evidence from the literature, in combination with allele frequency data from public databases where available, was not sufficient to rule this variant in or out of causing disease. Therefore, this variant is classified as a variant of unknown significance.

Literature cited by the submitters: PubMed 24635352 (cited by Illumina Laboratory Services, Illumina).

NM_000515.5(GH1):c.246G>C (p.Glu82Asp)

Genes: GH1 (growth hormone 1; minus strand), GH-LCR (growth hormone locus control region; plus strand). Cytogenetic location: 17q23.3.
Variant type: single nucleotide variant.
Coding change: c.246G>C on transcript NM_000515.5 (MANE Select); coding-DNA position 246, G replaced by C.
Protein change: p.Glu82Asp; replaces glutamic acid 82 with aspartic acid.
Molecular consequence: missense variant. On other transcripts: intron variant (1).
Genome position (GRCh38, 1-based): chr17:63,918,062, C>G on the plus strand (G>C on the coding strand, the complement: GH1 is on the minus strand). VCF-style: chr17-63918062-C-G. GRCh37 (hg19) VCF-style: chr17-61995422-C-G.
Other names: c.201G>C, p.Glu67Asp (NM_022559.4); c.172-138G>C (NM_022560.4); short protein forms E67D, E82D.
Identifiers: ClinVar variation 889155 (VCV000889155.5), dbSNP rs61762497, ClinGen allele CA8708281.